The following is an entry in ClinVar:

ClinVar aggregate classification (germline): Likely benign. Review status: criteria provided, multiple submitters, no conflicts (2 of 4 stars). 3 submissions from 3 submitters: Likely benign (2). 1 of the submissions does not count toward it. Last evaluated 2026-02-03.

Conditions:
Inborn genetic diseases. Identifiers: MedGen C0950123, MeSH D030342.
ARID1B-Related Disorder. Identifiers: MedGen CN381337.

Submissions (3):

Labcorp Genetics (formerly Invitae), Labcorp
Classification: Likely benign. Last evaluated: 2026-02-03. Review status: criteria provided, single submitter. Criteria: Invitae Variant Classification Sherloc (09022015). Collection method: clinical testing. Allele origin: germline.

Ambry Genetics
Classification: Likely benign for Inborn genetic diseases. Last evaluated: 2016-09-28. Review status: criteria provided, single submitter. Criteria: Ambry Variant Classification Scheme 2023. Collection method: clinical testing. Allele origin: germline.

PreventionGenetics, part of Exact Sciences
Classification: Likely benign for ARID1B-related condition. Last evaluated: 2024-07-30. Review status: no assertion criteria provided. Collection method: clinical testing. Allele origin: germline. Not counted in ClinVar's aggregate classification.
Comment: This variant is classified as likely benign based on ACMG/AMP sequence variant interpretation guidelines (Richards et al. 2015 PMID: 25741868, with internal and published modifications).

NM_001374828.1(ARID1B):c.1245AGGAGC[3] (p.416GA[4])

Gene: ARID1B (AT-rich interaction domain 1B; plus strand). Cytogenetic location: 6q25.3.
Variant type: Microsatellite.
Coding change: c.1245AGGAGC[3] on transcript NM_001374828.1 (MANE Select); three copies in a row of the 6-base unit AGGAGC starting at c.1245; the reference has two copies in a row; one copy, 6 bases duplicated.
Protein change: p.416GA[4].
Molecular consequence: inframe insertion.
Genome position (GRCh38, 1-based): chr6:156,778,931-156,778,936, AGGAGC duplicated; duplicating any 6 consecutive bases within chr6:156,778,925-156,778,936 gives the same sequence; the position shown is the placement nearest the transcript's 3' end. VCF-style (leftmost placement, unchanged base first): chr6-156778924-G-GAGGAGC. GRCh37 (hg19) VCF-style: chr6-157100058-G-GAGGAGC.
Other names: c.1245AGGAGC[3], p.416GA[4] (NM_001371656.1, NM_001374820.1, NM_017519.3); c.1002_1007dup6 (NM_020732.3).
Identifiers: ClinVar variation 589410 (VCV000589410.14), dbSNP rs1323804393, ClinGen allele CA571907202.
Genomic context (GRCh38, chr6:156,778,924, plus strand): 5'-GCGGCGGCGGAGGAGGAGGAGGCAGCGGAGGAGGAGGAGGAGGAGGAGGAGCAGGAGCAG[G>GAGGAGC]AGGAGCAGGAGCGGGAGCTGTGGCGGCGGCGGCCGCGGCGGCGGCGGCAGCAGCAGGAGG-3'